The following is an entry in ClinVar:

ClinVar aggregate classification (germline): Likely pathogenic (1 of 4 stars; one submission).

Conditions:
AHDC1-related intellectual disability - obstructive sleep apnea - mild dysmorphism syndrome. Also called: Xia-Gibbs syndrome. Identifiers: Orphanet 412069, MedGen C4014419, MONDO:0014358, OMIM 615829.

Submission:

MVZ Medizinische Genetik Mainz
Classification: Likely pathogenic for AHDC1-related intellectual disability - obstructive sleep apnea - mild dysmorphism syndrome. Last evaluated: 2025-09-16. Review status: criteria provided, single submitter. Criteria: UK Practice Guidelines For Variant Classification V4 01 2020. Collection method: clinical testing. Allele origin: germline. Inheritance: Autosomal dominant inheritance. Affected: yes. Observed: 1 variant allele.
Comment: ACMG Criteria: PVS1,PM2_SUP

NM_001371928.1(AHDC1):c.3069_3084del (p.Pro1024fs)

Gene: AHDC1 (AT-hook DNA binding motif containing 1; minus strand). Cytogenetic location: 1p36.11.
Variant type: Deletion.
Coding change: c.3069_3084del on transcript NM_001371928.1 (MANE Select); coding-DNA positions 3069 to 3084, 16 bases deleted (GCCTACCGGGGGCCCC).
Protein change: p.Pro1024fs; shifts the reading frame from proline 1024.
Molecular consequence: frameshift variant.
Genome position (GRCh38, 1-based): chr1:27,549,032-27,549,047, GGGGCCCCCGGTAGGC deleted on the plus strand (GCCTACCGGGGGCCCC on the coding strand, the reverse complement: AHDC1 is on the minus strand); deleting any 16 consecutive bases within chr1:27,549,032-27,549,049 gives the same sequence; the c. name uses the placement nearest the transcript's 3' end. VCF-style (leftmost placement, unchanged base first): chr1-27549031-AGGGGCCCCCGGTAGGC-A. GRCh37 (hg19) VCF-style: chr1-27875542-AGGGGCCCCCGGTAGGC-A.
Other names: c.3069_3084del, p.Pro1024fs (NM_001029882.3); short protein forms P1024fs.
Identifiers: ClinVar variation 4526511 (VCV004526511.1).